The following is an entry in ClinVar:

ClinVar aggregate classification (germline): Uncertain significance (1 of 4 stars; one submission).

Conditions:
Werner syndrome (WRN). Identifiers: Orphanet 902, MedGen C0043119, MONDO:0010196, OMIM 277700.

Submission:

Labcorp Genetics (formerly Invitae), Labcorp
Classification: Uncertain significance for Werner syndrome. Last evaluated: 2024-07-10. Review status: criteria provided, single submitter. Criteria: Invitae Variant Classification Sherloc (09022015). Collection method: clinical testing. Allele origin: germline.
Comment: This sequence change replaces glutamine, which is neutral and polar, with glutamic acid, which is acidic and polar, at codon 778 of the WRN protein (p.Gln778Glu). This variant is not present in population databases (gnomAD no frequency). This variant has not been reported in the literature in individuals affected with WRN-related conditions. An algorithm developed to predict the effect of missense changes on protein structure and function outputs the following: PolyPhen-2: "Benign". The glutamic acid amino acid residue is found in multiple mammalian species, which suggests that this missense change does not adversely affect protein function. In summary, the available evidence is currently insufficient to determine the role of this variant in disease. Therefore, it has been classified as a Variant of Uncertain Significance.

NM_000553.6(WRN):c.2332C>G (p.Gln778Glu)

Gene: WRN (WRN RecQ like helicase; plus strand). Cytogenetic location: 8p12.
Variant type: single nucleotide variant.
Coding change: c.2332C>G on transcript NM_000553.6 (MANE Select); coding-DNA position 2332, C replaced by G.
Protein change: p.Gln778Glu; replaces glutamine 778 with glutamic acid.
Molecular consequence: missense variant.
Genome position (GRCh38, 1-based): chr8:31,116,412, C>G. VCF-style: chr8-31116412-C-G. GRCh37 (hg19) VCF-style: chr8-30973928-C-G.
Other names: short protein forms Q778E.
Identifiers: ClinVar variation 3647689 (VCV003647689.2).